The following is an entry in ClinVar:

ClinVar aggregate classification (germline): Likely benign. Review status: criteria provided, multiple submitters, no conflicts (2 of 4 stars). 2 submissions from 2 submitters: Likely benign (2). Last evaluated 2025-01-01.

gnomAD v4.1: 279 of 1,389,120 alleles (0.02%); highest among the groups gnomAD compares: South Asian, 0.18%; 3 homozygotes.

Submissions (2):

CeGaT Center for Human Genetics Tuebingen
Classification: Likely benign. Last evaluated: 2025-01-01. Review status: criteria provided, single submitter. Criteria: CeGaT Center For Human Genetics Tuebingen Variant Classification Criteria Version 2. Collection method: clinical testing. Allele origin: germline. Affected: yes. Observed: 1 variant allele.
Comment: ADGB: BP4, BP7

Ambry Genetics
Classification: Likely benign. Last evaluated: 2024-12-16. Review status: criteria provided, single submitter. Criteria: Ambry Variant Classification Scheme 2023. Collection method: clinical testing. Allele origin: germline.

NM_024694.4(ADGB):c.1935A>T (p.Ile645=)

Gene: ADGB (androglobin; plus strand). Cytogenetic location: 6q24.3.
Variant type: single nucleotide variant.
Coding change: c.1935A>T on transcript NM_024694.4 (MANE Select); coding-DNA position 1935, A replaced by T.
Protein change: p.Ile645=; no amino-acid change (isoleucine 645 retained).
Molecular consequence: synonymous variant.
Genome position (GRCh38, 1-based): chr6:146,717,542, A>T. VCF-style: chr6-146717542-A-T. GRCh37 (hg19) VCF-style: chr6-147038678-A-T.
Other names: c.1935A>T (NM_024694.3).
Identifiers: ClinVar variation 3771222 (VCV003771222.14).